The following is an entry in ClinVar:

NM_001372.4(DNAH9):c.11351C>T (p.Thr3784Met)

Gene: DNAH9 (dynein axonemal heavy chain 9; plus strand). Cytogenetic location: 17p12.
Variant type: single nucleotide variant.
Coding change: c.11351C>T on transcript NM_001372.4 (MANE Select); coding-DNA position 11351, C replaced by T.
Protein change: p.Thr3784Met; replaces threonine 3784 with methionine.
Molecular consequence: missense variant.
Genome position (GRCh38, 1-based): chr17:11,894,441, C>T. VCF-style: chr17-11894441-C-T. GRCh37 (hg19) VCF-style: chr17-11797758-C-T.
Other names: c.287C>T, p.Thr96Met (NM_004662.2); short protein forms T3784M, T96M.
Identifiers: ClinVar variation 2038549 (VCV002038549.1), dbSNP rs147952506, ClinGen allele CA8397808.
Genomic context (GRCh38, chr17:11,894,441, plus strand): 5'-TCATGAACCGAGAAGTCAATGCAGTGGAGTTGGATTTCCTGCTTCGATCTCCAGTGCAGA[C>T]GGGCACCGCCAGCCCCGTGGAGTTCCTCTCCCATCAGGCGTGGGGAGCTGTCAAGGTCAG-3'
Protein context (NP_001363.2, residues 3774-3794): LDFLLRSPVQ[Thr3784Met]GTASPVEFLS

ClinVar aggregate classification (germline): Uncertain significance (1 of 4 stars; one submission).

Allele frequency attached by ClinVar (database versions not stated): ExAC 0.00030; TOPMed 0.00036; gnomAD 0.00044; ESP Exome Variant Server 0.00054; 1000 Genomes Project 30x 0.00062; gnomAD exomes 0.00071; 1000 Genomes Project 0.00080.
gnomAD v4.1: 1,075 of 1,614,128 alleles (0.067%); highest among the groups gnomAD compares: Non-Finnish European, 0.085%; 1 homozygote.

Submission:

Labcorp Genetics (formerly Invitae), Labcorp
Classification: Uncertain significance. Last evaluated: 2022-08-12. Review status: criteria provided, single submitter. Criteria: Invitae Variant Classification Sherloc (09022015). Collection method: clinical testing. Allele origin: germline.
Comment: This sequence change replaces threonine, which is neutral and polar, with methionine, which is neutral and non-polar, at codon 3784 of the DNAH9 protein (p.Thr3784Met). This variant is present in population databases (rs147952506, gnomAD 0.06%). This variant has not been reported in the literature in individuals affected with DNAH9-related conditions. Algorithms developed to predict the effect of missense changes on protein structure and function are either unavailable or do not agree on the potential impact of this missense change (SIFT: "Deleterious"; PolyPhen-2: "Benign"; Align-GVGD: "Class C0"). In summary, the available evidence is currently insufficient to determine the role of this variant in disease. Therefore, it has been classified as a Variant of Uncertain Significance.